The following is an entry in ClinVar:

NM_003737.4(DCHS1):c.5816C>T (p.Pro1939Leu)

Gene: DCHS1 (dachsous cadherin-related 1; minus strand). Cytogenetic location: 11p15.4.
Variant type: single nucleotide variant.
Coding change: c.5816C>T on transcript NM_003737.4 (MANE Select); coding-DNA position 5816, C replaced by T.
Protein change: p.Pro1939Leu; replaces proline 1939 with leucine.
Molecular consequence: missense variant.
Genome position (GRCh38, 1-based): chr11:6,627,223, G>A on the plus strand (C>T on the coding strand, the complement: DCHS1 is on the minus strand). VCF-style: chr11-6627223-G-A. GRCh37 (hg19) VCF-style: chr11-6648454-G-A.
Other names: short protein forms P1939L.
Identifiers: ClinVar variation 3611797 (VCV003611797.2).

ClinVar aggregate classification (germline): Uncertain significance (1 of 4 stars; one submission).

Submission:

Labcorp Genetics (formerly Invitae), Labcorp
Classification: Uncertain significance. Last evaluated: 2024-06-22. Review status: criteria provided, single submitter. Criteria: Invitae Variant Classification Sherloc (09022015). Collection method: clinical testing. Allele origin: germline.
Comment: This sequence change replaces proline, which is neutral and non-polar, with leucine, which is neutral and non-polar, at codon 1939 of the DCHS1 protein (p.Pro1939Leu). This variant is present in population databases (rs773510517, gnomAD 0.02%). This variant has not been reported in the literature in individuals affected with DCHS1-related conditions. Advanced modeling of protein sequence and biophysical properties (such as structural, functional, and spatial information, amino acid conservation, physicochemical variation, residue mobility, and thermodynamic stability) performed at Invitae indicates that this missense variant is not expected to disrupt DCHS1 protein function with a negative predictive value of 80%. In summary, the available evidence is currently insufficient to determine the role of this variant in disease. Therefore, it has been classified as a Variant of Uncertain Significance.